The following is an entry in ClinVar:

ClinVar aggregate classification (germline): Uncertain significance (1 of 4 stars; one submission).

Conditions:
SRRM2-related disorder. Also called: SRRM2-related condition.

Submission:

PreventionGenetics, part of Exact Sciences
Classification: Uncertain significance for SRRM2-related condition. Last evaluated: 2026-04-08. Review status: criteria provided, single submitter. Criteria: ACMG Guidelines, 2015. Collection method: clinical testing. Allele origin: germline.
Comment: The SRRM2 c.1349A>C variant is predicted to result in the amino acid substitution p.His450Pro. To our knowledge, this variant has not been reported in the literature or in a large population database (gnomAD), indicating this variant is rare. At this time, the clinical significance of this variant is uncertain due to the absence of conclusive functional and genetic evidence.

NM_016333.4(SRRM2):c.1349A>C (p.His450Pro)

Gene: SRRM2 (serine/arginine repetitive matrix 2; plus strand). Cytogenetic location: 16p13.3.
Variant type: single nucleotide variant.
Coding change: c.1349A>C on transcript NM_016333.4 (MANE Select); coding-DNA position 1349, A replaced by C.
Protein change: p.His450Pro; replaces histidine 450 with proline.
Molecular consequence: missense variant.
Genome position (GRCh38, 1-based): chr16:2,761,877, A>C. VCF-style: chr16-2761877-A-C. GRCh37 (hg19) VCF-style: chr16-2811878-A-C.
Other names: short protein forms H450P.
Identifiers: ClinVar variation 4993220 (VCV004993220.1).